The following is an entry in ClinVar:

ClinVar aggregate classification (germline): Uncertain significance. Review status: criteria provided, multiple submitters, no conflicts (2 of 4 stars). 2 submissions from 2 submitters: Uncertain significance (2). Last evaluated 2022-06-22.

Allele frequency attached by ClinVar (database versions not stated): ExAC 0.00002; gnomAD 0.00003; TOPMed 0.00006; ESP Exome Variant Server 0.00008.
gnomAD v4.1: 66 of 1,612,986 alleles (0.0041%); highest among the groups gnomAD compares: East Asian, 0.011%; no homozygotes.

Submissions (2):

Labcorp Genetics (formerly Invitae), Labcorp
Classification: Uncertain significance. Last evaluated: 2022-06-22. Review status: criteria provided, single submitter. Criteria: Invitae Variant Classification Sherloc (09022015). Collection method: clinical testing. Allele origin: germline.
Comment: This variant has not been reported in the literature in individuals affected with SEMA4A-related conditions. This variant is present in population databases (rs151030269, gnomAD 0.02%). This sequence change replaces alanine, which is neutral and non-polar, with threonine, which is neutral and polar, at codon 673 of the SEMA4A protein (p.Ala673Thr). Algorithms developed to predict the effect of missense changes on protein structure and function output the following: SIFT: "Tolerated"; PolyPhen-2: "Benign"; Align-GVGD: "Class C0". The threonine amino acid residue is found in multiple mammalian species, which suggests that this missense change does not adversely affect protein function. In summary, the available evidence is currently insufficient to determine the role of this variant in disease. Therefore, it has been classified as a Variant of Uncertain Significance.

Blueprint Genetics
Classification: Uncertain significance. Last evaluated: 2021-09-25. Review status: criteria provided, single submitter. Criteria: ACMG Guidelines, 2015. Collection method: clinical testing. Allele origin: germline.

NM_022367.4(SEMA4A):c.2017G>A (p.Ala673Thr)

Gene: SEMA4A (semaphorin 4A; plus strand). Cytogenetic location: 1q22.
Variant type: single nucleotide variant.
Coding change: c.2017G>A on transcript NM_022367.4 (MANE Select); coding-DNA position 2017, G replaced by A.
Protein change: p.Ala673Thr; replaces alanine 673 with threonine.
Molecular consequence: missense variant.
Genome position (GRCh38, 1-based): chr1:156,176,728, G>A. VCF-style: chr1-156176728-G-A. GRCh37 (hg19) VCF-style: chr1-156146519-G-A.
Other names: c.2017G>A, p.Ala673Thr (NM_001193300.2, NM_001193301.2, NM_001370567.1); c.1621G>A, p.Ala541Thr (NM_001193302.2); c.1720G>A, p.Ala574Thr (NM_001370568.1); c.1510G>A, p.Ala504Thr (NM_001370569.1, NM_001370571.1); short protein forms A504T, A574T, A673T, A541T.
Identifiers: ClinVar variation 1943402 (VCV001943402.6), dbSNP rs151030269, ClinGen allele CA1155507.